The following is an entry in ClinVar:

NM_001252102.2(KIF21B):c.3669C>T (p.Tyr1223=)

Gene: KIF21B (kinesin family member 21B; minus strand). Cytogenetic location: 1q32.1.
Variant type: single nucleotide variant.
Coding change: c.3669C>T on transcript NM_001252102.2 (MANE Select); coding-DNA position 3669, C replaced by T.
Protein change: p.Tyr1223=; no amino-acid change (tyrosine 1223 retained).
Molecular consequence: synonymous variant.
Genome position (GRCh38, 1-based): chr1:200,986,864, G>A on the plus strand (C>T on the coding strand, the complement: KIF21B is on the minus strand). VCF-style: chr1-200986864-G-A. GRCh37 (hg19) VCF-style: chr1-200955992-G-A.
Other names: c.3669C>T, p.Tyr1223= (NM_001252100.2, NM_001252103.2, NM_017596.4).
Identifiers: ClinVar variation 2639731 (VCV002639731.24), dbSNP rs139250432, ClinGen allele CA1320609.

ClinVar aggregate classification (germline): Likely benign (1 of 4 stars; one submission).

Allele frequency attached by ClinVar (database versions not stated): gnomAD exomes 0.00021; ExAC 0.00029; gnomAD 0.00030; TOPMed 0.00032; 1000 Genomes Project 0.00040; ESP Exome Variant Server 0.00046; 1000 Genomes Project 30x 0.00047.
gnomAD v4.1: 370 of 1,613,692 alleles (0.023%); highest among the groups gnomAD compares: Middle Eastern, 0.2%; no homozygotes.

Submission:

CeGaT Center for Human Genetics Tuebingen
Classification: Likely benign. Last evaluated: 2022-07-01. Review status: criteria provided, single submitter. Criteria: CeGaT Center For Human Genetics Tuebingen Variant Classification Criteria Version 2. Collection method: clinical testing. Allele origin: germline. Affected: yes. Observed: 1 variant allele.
Comment: KIF21B: BP4, BP7